The following is an entry in ClinVar:

ClinVar aggregate classification (germline): Benign/Likely benign. Review status: criteria provided, multiple submitters, no conflicts (2 of 4 stars). 9 submissions from 8 submitters: Benign (8); Likely benign (1). Last evaluated 2025-04-09.

Conditions:
Lissencephaly 4 (LIS4). Also called: Lissencephaly 4 (with microcephaly). Identifiers: Orphanet 1083, MedGen C3151461, MONDO:0013527, OMIM 614019.
Familial thoracic aortic aneurysm and aortic dissection (TAAD). Also called: Thoracic aortic aneurysms and dissections. Identifiers: Orphanet 91387, MedGen C4707243, MONDO:0019625.
Aortic aneurysm, familial thoracic 4 (AAT4). Also called: AORTIC ANEURYSM/AORTIC DISSECTION AND PATENT DUCTUS ARTERIOSUS. Identifiers: MedGen C1851504, MONDO:0007568, OMIM 132900.

Allele frequency attached by ClinVar (database versions not stated): gnomAD exomes 0.00250 and 0.00691; ExAC 0.00855; gnomAD 0.02738 and 0.02929; ESP Exome Variant Server 0.02994; 1000 Genomes Project 0.03055; TOPMed 0.03112; 1000 Genomes Project 30x 0.03310.
gnomAD v4.1: 7,985 of 1,613,956 alleles (0.49%); highest among the groups gnomAD compares: African/African-American, 9.4%; 350 homozygotes.

Submissions (9):

Molecular Diagnostic Laboratory for Inherited Cardiovascular Disease, Montreal Heart Institute
Classification: Benign. Last evaluated: 2025-04-09. Review status: criteria provided, single submitter. Criteria: ACMG Guidelines, 2015. Collection method: clinical testing. Allele origin: germline. Affected: no.

Color Diagnostics, LLC DBA Color Health
Classification: Benign for Familial thoracic aortic aneurysm and aortic dissection. Last evaluated: 2018-03-19. Review status: criteria provided, single submitter. Criteria: ACMG Guidelines, 2015. Collection method: clinical testing. Allele origin: germline.

Illumina Laboratory Services, Illumina
Classification: Benign for Lissencephaly 4. Last evaluated: 2018-01-13. Review status: criteria provided, single submitter. Criteria: ICSL Variant Classification Criteria 13 December 2019. Collection method: clinical testing. Allele origin: germline.
Comment: This variant was observed in the ICSL laboratory as part of a predisposition screen in an ostensibly healthy population. It had not been previously curated by ICSL or reported in the Human Gene Mutation Database (HGMD: prior to June 1st, 2018), and was therefore a candidate for classification through an automated scoring system. Utilizing variant allele frequency, disease prevalence and penetrance estimates, and inheritance mode, an automated score was calculated to assess if this variant is too frequent to cause the disease. Based on the score and internal cut-off values, a variant classified as benign is not then subjected to further curation. The score for this variant resulted in a classification of benign for this disease.

Illumina Laboratory Services, Illumina
Classification: Benign for Aortic aneurysm, familial thoracic 4. Last evaluated: 2018-01-12. Review status: criteria provided, single submitter. Criteria: ICSL Variant Classification Criteria 13 December 2019. Collection method: clinical testing. Allele origin: germline.
Comment: the same text as in the submission from Illumina Laboratory Services, Illumina above.

Ambry Genetics
Classification: Benign for Familial thoracic aortic aneurysm and aortic dissection. Last evaluated: 2015-09-09. Review status: criteria provided, single submitter. Criteria: Ambry Variant Classification Scheme 2023. Collection method: clinical testing. Allele origin: germline.

Laboratory for Molecular Medicine, Mass General Brigham Personalized Medicine
Classification: Benign. Last evaluated: 2013-04-04. Review status: criteria provided, single submitter. Criteria: LMM Criteria. Collection method: clinical testing. Allele origin: germline. Observed: 1 variant allele.
Comment: *5C>G in exon 42 of MYH11: This variant is not expected to have clinical signifi cance because it has been identified in 8.8% (388/4394) of African American chro mosomes from a broad population by the NHLBI Exome Sequencing Project (s.; dbSNP rs1875184).

GeneDx
Classification: Benign. Last evaluated: 2012-12-28. Review status: criteria provided, single submitter. Criteria: GeneDx Variant Classification (06012015). Collection method: clinical testing. Allele origin: germline. Affected: yes.
Comment: This variant is considered likely benign or benign based on one or more of the following criteria: it is a conservative change, it occurs at a poorly conserved position in the protein, it is predicted to be benign by multiple in silico algorithms, and/or has population frequency not consistent with disease.

Breakthrough Genomics
Classification: Likely benign. Review status: criteria provided, single submitter. Criteria: ACMG Guidelines, 2015. Collection method: not provided. Allele origin: germline. Inheritance: Autosomal recessive inheritance. Affected: yes.

PreventionGenetics, part of Exact Sciences
Classification: Benign. Review status: criteria provided, single submitter. Criteria: ACMG Guidelines, 2015. Collection method: clinical testing. Allele origin: germline.

NM_002474.3(MYH11):c.*5C>G

Genes: MYH11 (myosin heavy chain 11; minus strand), NDE1 (nudE neurodevelopment protein 1; plus strand). Cytogenetic location: 16p13.11.
Variant type: single nucleotide variant.
Coding change: c.*5C>G on transcript NM_002474.3 (MANE Select); 5 bases downstream of the stop codon, C replaced by G.
Molecular consequence: 3 prime UTR variant. On other transcripts: intron variant (2).
Genome position (GRCh38, 1-based): chr16:15,703,986, G>C on the plus strand (C>G on the coding strand, the complement: MYH11 is on the minus strand). VCF-style: chr16-15703986-G-C. GRCh37 (hg19) VCF-style: chr16-15797843-G-C.
Other names: c.*146C>G (NM_001040113.2, NM_022844.3); c.*5C>G (NM_001040114.2); c.947+7126G>C (NM_001143979.2, NM_017668.3).
Identifiers: ClinVar variation 192314 (VCV000192314.18), dbSNP rs1875184, ClinGen allele CA292341.